The following is an entry in ClinVar:

NM_006164.5(NFE2L2):c.392A>C (p.Asp131Ala)

Gene: NFE2L2 (NFE2 like bZIP transcription factor 2; minus strand). Cytogenetic location: 2q31.2.
Variant type: single nucleotide variant.
Coding change: c.392A>C on transcript NM_006164.5 (MANE Select); coding-DNA position 392, A replaced by C.
Protein change: p.Asp131Ala; replaces aspartic acid 131 with alanine.
Molecular consequence: missense variant. On other transcripts: intron variant (1).
Genome position (GRCh38, 1-based): chr2:177,233,260, T>G on the plus strand (A>C on the coding strand, the complement: NFE2L2 is on the minus strand). VCF-style: chr2-177233260-T-G. GRCh37 (hg19) VCF-style: chr2-178097988-T-G.
Other names: c.344A>C, p.Asp115Ala (NM_001145412.3, NM_001145413.3, NM_001313900.1 and 1 more transcripts); c.173A>C, p.Asp58Ala (NM_001313903.2); c.92A>C, p.Asp31Ala (NM_001313904.1); c.313-677A>C (NM_001313902.2); short protein forms D131A, D115A, D31A, D58A.
Identifiers: ClinVar variation 2001219 (VCV002001219.4), dbSNP rs2468291515, ClinGen allele CA349378374.
Genomic context (GRCh38, chr2:177,233,260, plus strand): 5'-TTATAGTTATGATGGAGTTTTTCTATTAACCAGGTTATTTTATACCTCACCTCATTGTCA[T>G]CTACAAACGGGAATGTCTGCGCCAAAAGCTGCATGCAGTCATCAAAGTACAAAGCATCTG-3'
Protein context (NP_006155.2, residues 121-141): QLLAQTFPFV[Asp131Ala]DNEVSSATFQ

ClinVar aggregate classification (germline): Uncertain significance (1 of 4 stars; one submission).

Submission:

Labcorp Genetics (formerly Invitae), Labcorp
Classification: Uncertain significance. Last evaluated: 2022-06-06. Review status: criteria provided, single submitter. Criteria: Invitae Variant Classification Sherloc (09022015). Collection method: clinical testing. Allele origin: germline.
Comment: This sequence change replaces aspartic acid, which is acidic and polar, with alanine, which is neutral and non-polar, at codon 131 of the NFE2L2 protein (p.Asp131Ala). This variant is not present in population databases (gnomAD no frequency). This variant has not been reported in the literature in individuals affected with NFE2L2-related conditions. Algorithms developed to predict the effect of missense changes on protein structure and function are either unavailable or do not agree on the potential impact of this missense change (SIFT: "Tolerated"; PolyPhen-2: "Possibly Damaging"; Align-GVGD: "Class C0"). In summary, the available evidence is currently insufficient to determine the role of this variant in disease. Therefore, it has been classified as a Variant of Uncertain Significance.